The following is an entry in ClinVar:

NM_001005242.3(PKP2):c.293T>C (p.Val98Ala)

Gene: PKP2 (plakophilin 2; minus strand). Cytogenetic location: 12p11.21.
Variant type: single nucleotide variant.
Coding change: c.293T>C on transcript NM_001005242.3 (MANE Select); coding-DNA position 293, T replaced by C.
Protein change: p.Val98Ala; replaces valine 98 with alanine.
Molecular consequence: missense variant.
Genome position (GRCh38, 1-based): chr12:32,878,963, A>G on the plus strand (T>C on the coding strand, the complement: PKP2 is on the minus strand). VCF-style: chr12-32878963-A-G. GRCh37 (hg19) VCF-style: chr12-33031897-A-G.
Other names: c.293T>C, p.Val98Ala (NM_004572.4); short protein forms V98A.
Identifiers: ClinVar variation 924785 (VCV000924785.9), dbSNP rs775434969, ClinGen allele CA036492.

ClinVar aggregate classification (germline): Conflicting classifications of pathogenicity. Review status: criteria provided, conflicting classifications (1 of 4 stars). 3 submissions from 3 submitters: Uncertain significance (1); Likely benign (2). Last evaluated 2025-01-21.

Conditions:
Cardiomyopathy (CMYO). Also called: Cardiomyopathies. Identifiers: Orphanet 167848, MedGen C0878544, MONDO:0004994, HP:0001638. Inheritance: Various modes of inheritance.
Arrhythmogenic right ventricular cardiomyopathy (ARVD). Also called: Arrhythmogenic cardiomyopathy; Cardiomyopathy, ARVC; Arrhythmogenic right ventricular dysplasia; Arrhythmogenic Right Ventricular Cardiomyopathy (ARVC). Identifiers: Orphanet 247, MedGen C0349788, MeSH D019571, MONDO:0016587. Disease mechanism: loss of function. Inheritance: Various modes of inheritance.
Arrhythmogenic right ventricular dysplasia 9 (ARVD9). Also called: Arrhythmogenic Right Ventricular Dysplasia/Cardiomyopathy 9; ARRHYTHMOGENIC RIGHT VENTRICULAR DYSPLASIA, FAMILIAL, 9. Identifiers: MedGen C1836906, MONDO:0012180, OMIM 609040.

Allele frequency attached by ClinVar (database versions not stated): gnomAD exomes below 0.00001; ExAC 0.00001; gnomAD 0.00002 and 0.00003; TOPMed 0.00002.
gnomAD v4.1: 12 of 1,608,374 alleles (0.00075%); highest among the groups gnomAD compares: African/African-American, 0.004%; no homozygotes.

Submissions (3):

Labcorp Genetics (formerly Invitae), Labcorp
Classification: Uncertain significance for Arrhythmogenic right ventricular dysplasia 9. Last evaluated: 2025-01-21. Review status: criteria provided, single submitter. Criteria: Invitae Variant Classification Sherloc (09022015). Collection method: clinical testing. Allele origin: germline.
Comment: This sequence change replaces valine, which is neutral and non-polar, with alanine, which is neutral and non-polar, at codon 98 of the PKP2 protein (p.Val98Ala). This variant is present in population databases (rs775434969, gnomAD 0.003%). This variant has not been reported in the literature in individuals affected with PKP2-related conditions. ClinVar contains an entry for this variant (Variation ID: 924785). An algorithm developed to predict the effect of missense changes on protein structure and function outputs the following: PolyPhen-2: "Benign". The alanine amino acid residue is found in multiple mammalian species, which suggests that this missense change does not adversely affect protein function. In summary, the available evidence is currently insufficient to determine the role of this variant in disease. Therefore, it has been classified as a Variant of Uncertain Significance.

Color Diagnostics, LLC DBA Color Health
Classification: Likely benign for Cardiomyopathy. Last evaluated: 2024-09-04. Review status: criteria provided, single submitter. Criteria: ACMG Guidelines, 2015. Collection method: clinical testing. Allele origin: germline.

All of Us Research Program, National Institutes of Health
Classification: Likely benign for Arrhythmogenic right ventricular cardiomyopathy. Last evaluated: 2023-05-04. Review status: criteria provided, single submitter. Criteria: ACMG Guidelines, 2015. Collection method: clinical testing. Allele origin: germline. Inheritance: Autosomal dominant inheritance. Observed: 1 variant allele, 1 heterozygote.
Comment: This study involves interpretation of variants in research participants for the purpose of population health screening. Participant phenotype was not available at the time of variant classification. Additional details can be found in publication PMID: 35346344, PMCID: PMC8962531